The following is an entry in ClinVar:

NM_021072.4(HCN1):c.935A>T (p.Asp312Val)

Gene: HCN1 (hyperpolarization activated cyclic nucleotide gated potassium channel 1; minus strand). Cytogenetic location: 5p12.
Variant type: single nucleotide variant.
Coding change: c.935A>T on transcript NM_021072.4 (MANE Select); coding-DNA position 935, A replaced by T.
Protein change: p.Asp312Val; replaces aspartic acid 312 with valine.
Molecular consequence: missense variant.
Genome position (GRCh38, 1-based): chr5:45,461,922, T>A on the plus strand (A>T on the coding strand, the complement: HCN1 is on the minus strand). VCF-style: chr5-45461922-T-A. GRCh37 (hg19) VCF-style: chr5-45462024-T-A.
Other names: c.935A>T (NM_021072.3); short protein forms D312V.
Identifiers: ClinVar variation 1014058 (VCV001014058.12), dbSNP rs1741169756, ClinGen allele CA359704920.
Genomic context (GRCh38, chr5:45,461,922, plus strand): 5'-GACACCCAGCAATCTGGTGGGAAGTCCTGCAGTAGTGGTACTAAGAACTGAAGACAACCA[T>A]CCCAGTGGCACAGGAGCAGCATCATGCCGATGAGATTAAAAATTCTCACCACTGCACTGG-3'
Protein context (NP_066550.2, residues 302-322): IGMMLLLCHW[Asp312Val]GCLQFLVPLL

ClinVar aggregate classification (germline): Uncertain significance. Review status: criteria provided, multiple submitters, no conflicts (2 of 4 stars). 2 submissions from 2 submitters: Uncertain significance (2). Last evaluated 2026-10-21.

Conditions:
Early-infantile DEE. Also called: Ohtahara syndrome; Early infantile epileptic encephalopathy; Early infantile epileptic encephalopathy with suppression bursts. Identifiers: Orphanet 1934, MedGen C0393706, MONDO:0800491.

Submissions (2):

GeneDx
Classification: Uncertain significance. Last evaluated: 2026-10-21. Review status: criteria provided, single submitter. Criteria: GeneDx Variant Classification Process June 2021. Collection method: clinical testing. Allele origin: germline.
Comment: Not observed at significant frequency in large population cohorts (gnomAD); In silico analysis supports that this missense variant has a deleterious effect on protein structure/function; Has not been previously published as pathogenic or benign to our knowledge

Labcorp Genetics (formerly Invitae), Labcorp
Classification: Uncertain significance for Early-infantile DEE. Last evaluated: 2022-07-24. Review status: criteria provided, single submitter. Criteria: Invitae Variant Classification Sherloc (09022015). Collection method: clinical testing. Allele origin: germline.
Comment: This variant is not present in population databases (gnomAD no frequency). In summary, the available evidence is currently insufficient to determine the role of this variant in disease. Therefore, it has been classified as a Variant of Uncertain Significance. Algorithms developed to predict the effect of sequence changes on RNA splicing suggest that this variant may create or strengthen a splice site. Advanced modeling of protein sequence and biophysical properties (such as structural, functional, and spatial information, amino acid conservation, physicochemical variation, residue mobility, and thermodynamic stability) performed at Invitae indicates that this missense variant is expected to disrupt HCN1 protein function. ClinVar contains an entry for this variant (Variation ID: 1014058). This variant has not been reported in the literature in individuals affected with HCN1-related conditions. This sequence change replaces aspartic acid, which is acidic and polar, with valine, which is neutral and non-polar, at codon 312 of the HCN1 protein (p.Asp312Val).